The following is an entry in ClinVar:

ClinVar aggregate classification (germline): Uncertain significance (1 of 4 stars; one submission).

Conditions:
Inborn genetic diseases. Identifiers: MedGen C0950123, MeSH D030342.

Submission:

Ambry Genetics
Classification: Uncertain significance for Inborn genetic diseases. Last evaluated: 2024-07-07. Review status: criteria provided, single submitter. Criteria: Ambry Variant Classification Scheme 2023. Collection method: clinical testing. Allele origin: germline.
Comment: The p.I535T variant (also known as c.1604T>C), located in coding exon 17 of the ERCC2 gene, results from a T to C substitution at nucleotide position 1604. The isoleucine at codon 535 is replaced by threonine, an amino acid with similar properties. This amino acid position is conserved. In addition, this alteration is predicted to be deleterious by in silico analysis. Based on the available evidence, the clinical significance of this variant remains unclear.

NM_000400.4(ERCC2):c.1604T>C (p.Ile535Thr)

Gene: ERCC2 (ERCC excision repair 2, TFIIH core complex helicase subunit; minus strand). Cytogenetic location: 19q13.32.
Variant type: single nucleotide variant.
Coding change: c.1604T>C on transcript NM_000400.4 (MANE Select); coding-DNA position 1604, T replaced by C.
Protein change: p.Ile535Thr; replaces isoleucine 535 with threonine.
Molecular consequence: missense variant.
Genome position (GRCh38, 1-based): chr19:45,354,791, A>G on the plus strand (T>C on the coding strand, the complement: ERCC2 is on the minus strand). VCF-style: chr19-45354791-A-G. GRCh37 (hg19) VCF-style: chr19-45858049-A-G.
Other names: short protein forms I535T.
Identifiers: ClinVar variation 3509826 (VCV003509826.1).